The following is an entry in ClinVar:

NM_001278116.2(L1CAM):c.3284T>C (p.Met1095Thr)

Gene: L1CAM (L1 cell adhesion molecule; minus strand). Cytogenetic location: Xq28.
Variant type: single nucleotide variant.
Coding change: c.3284T>C on transcript NM_001278116.2 (MANE Select); coding-DNA position 3284, T replaced by C.
Protein change: p.Met1095Thr; replaces methionine 1095 with threonine.
Molecular consequence: missense variant.
Genome position (GRCh38, 1-based): chrX:153,864,360, A>G on the plus strand (T>C on the coding strand, the complement: L1CAM is on the minus strand). VCF-style: chrX-153864360-A-G. GRCh37 (hg19) VCF-style: chrX-153129815-A-G.
Other names: c.3284T>C, p.Met1095Thr (NM_000425.5, NM_024003.3); c.3269T>C, p.Met1090Thr (NM_001143963.2); short protein forms M1090T, M1095T.
Identifiers: ClinVar variation 3383675 (VCV003383675.1).

ClinVar aggregate classification (germline): Uncertain significance (1 of 4 stars; one submission).

Submission:

GeneDx
Classification: Uncertain significance. Last evaluated: 2024-05-26. Review status: criteria provided, single submitter. Criteria: GeneDx Variant Classification Process June 2021. Collection method: clinical testing. Allele origin: germline. Affected: yes.
Comment: Not observed at significant frequency in large population cohorts (gnomAD); In silico analysis indicates that this missense variant does not alter protein structure/function; Has not been previously published as pathogenic or benign to our knowledge; This variant is associated with the following publications: (PMID: 25641508)